The following is an entry in ClinVar:

NM_004415.4(DSP):c.720C>T (p.Ala240=)

Gene: DSP (desmoplakin; plus strand). Cytogenetic location: 6p24.3.
Variant type: single nucleotide variant.
Coding change: c.720C>T on transcript NM_004415.4 (MANE Select); coding-DNA position 720, C replaced by T.
Protein change: p.Ala240=; no amino-acid change (alanine 240 retained).
Molecular consequence: synonymous variant.
Genome position (GRCh38, 1-based): chr6:7,562,774, C>T. VCF-style: chr6-7562774-C-T. GRCh37 (hg19) VCF-style: chr6-7563007-C-T.
Other names: c.720C>T, p.Ala240= (NM_001008844.3, NM_001319034.2).
Identifiers: ClinVar variation 926809 (VCV000926809.13), dbSNP rs1324798719, ClinGen allele CA448516616.

ClinVar aggregate classification (germline): Likely benign. Review status: criteria provided, multiple submitters, no conflicts (2 of 4 stars). 4 submissions from 4 submitters: Likely benign (4). Last evaluated 2023-04-03.

Conditions:
Arrhythmogenic right ventricular dysplasia 8 (ARVD8). Also called: Arrhythmogenic Right Ventricular Dysplasia/Cardiomyopathy 8; ARRHYTHMOGENIC RIGHT VENTRICULAR DYSPLASIA, FAMILIAL, 8; ARRHYTHMOGENIC RIGHT VENTRICULAR CARDIOMYOPATHY 8. Identifiers: MedGen C1843896, MONDO:0011831, OMIM 607450.
Arrhythmogenic cardiomyopathy with wooly hair and keratoderma. Also called: PALMOPLANTAR KERATODERMA WITH LEFT VENTRICULAR CARDIOMYOPATHY AND WOOLLY HAIR; Carvajal syndrome; Dilated cardiomyopathy with woolly hair and keratoderma; Arrhythmogenic cardiomyopathy with woolly hair and keratoderma. Identifiers: Orphanet 65282, MedGen C1854063, MONDO:0011581, OMIM 605676.
Cardiomyopathy (CMYO). Also called: Cardiomyopathies. Identifiers: Orphanet 167848, MedGen C0878544, MONDO:0004994, HP:0001638. Inheritance: Various modes of inheritance.
Cardiovascular phenotype. Identifiers: MedGen CN230736.

Allele frequency attached by ClinVar (database versions not stated): gnomAD exomes below 0.00001 and 0.00001; TOPMed below 0.00001.
gnomAD v4.1: 4 of 1,614,052 alleles (0.00025%); highest among the groups gnomAD compares: Admixed American, 0.0017%; no homozygotes.

Submissions (4):

All of Us Research Program, National Institutes of Health
Classification: Likely benign for Arrhythmogenic cardiomyopathy with wooly hair and keratoderma. Last evaluated: 2023-04-03. Review status: criteria provided, single submitter. Criteria: ACMG Guidelines, 2015. Collection method: clinical testing. Allele origin: germline. Inheritance: Autosomal dominant inheritance. Observed: 1 variant allele, 1 heterozygote.
Comment: This study involves interpretation of variants in research participants for the purpose of population health screening. Participant phenotype was not available at the time of variant classification. Additional details can be found in publication PMID: 35346344, PMCID: PMC8962531

Ambry Genetics
Classification: Likely benign for Cardiovascular phenotype. Last evaluated: 2022-08-22. Review status: criteria provided, single submitter. Criteria: Ambry Variant Classification Scheme 2023. Collection method: clinical testing. Allele origin: germline.

Labcorp Genetics (formerly Invitae), Labcorp
Classification: Likely benign for Arrhythmogenic cardiomyopathy with wooly hair and keratoderma; Arrhythmogenic right ventricular dysplasia 8. Last evaluated: 2022-05-25. Review status: criteria provided, single submitter. Criteria: Invitae Variant Classification Sherloc (09022015). Collection method: clinical testing. Allele origin: germline.

Color Diagnostics, LLC DBA Color Health
Classification: Likely benign for Cardiomyopathy. Last evaluated: 2020-04-13. Review status: criteria provided, single submitter. Criteria: ACMG Guidelines, 2015. Collection method: clinical testing. Allele origin: germline.